The following is an entry in ClinVar:

ClinVar aggregate classification (germline): Pathogenic (1 of 4 stars; one submission).

Conditions:
Hereditary factor VIII deficiency disease (HEMA). Also called: HEMOPHILIA, CLASSIC; AUTOSOMAL HEMOPHILIA A; Hemophilia A; Hemophilia A, congenital; HEM A; Factor 8 deficiency, congenital. Identifiers: Orphanet 98878, MedGen C0019069, MONDO:0010602, OMIM 306700.

Submission:

Women's Health and Genetics/Laboratory Corporation of America, LabCorp
Classification: Pathogenic for Hereditary factor VIII deficiency disease. Last evaluated: 2025-10-01. Review status: criteria provided, single submitter. Criteria: LabCorp Variant Classification Summary - May 2015. Collection method: clinical testing. Allele origin: germline.
Comment: Variant summary: The variant involves the deletion of exons 1-26 in the F8 gene. A presumed nomenclature of c.(?_-172)_(*1806_?)del has been designated for the purposes of this classification. This deletion includes the entire coding sequence of the gene. As the exact proximal and distal breakpoints are unknown, it may extend beyond the annotated region of the gene to include other flanking genes. Loss-of-function variants in this gene are known to be pathogenic. The variant was absent in 16120 control chromosomes. A similar CNV whole gene deletion has been observed in individual(s) affected with Factor VIII Deficiency (Hemophilia A) (Ma_2008, Casula_1990) which may also encompass other genes. The following publications have been ascertained in the context of this evaluation (PMID: 18371163, 2105106). No submitters have cited clinical-significance assessments for this variant to ClinVar. Based on the evidence outlined above, the variant was classified as pathogenic.

Literature cited by the submitters: PubMed 2105106; PubMed 18371163.

NC_000023.10:g.(?_154064066)_(154250999_?)del

Genes: F8 (coagulation factor VIII; minus strand), F8A1 (coagulation factor VIII associated 1; plus strand), H2AB1 (H2A.B variant histone 1; plus strand). Cytogenetic location: Xq28.
Variant type: Deletion.
Identifiers: ClinVar variation 4687634 (VCV004687634.1).